The following is an entry in ClinVar:

ClinVar aggregate classification (germline): Uncertain significance. Review status: criteria provided, multiple submitters, no conflicts (2 of 4 stars). 2 submissions from 2 submitters: Uncertain significance (2). Last evaluated 2025-12-15.

gnomAD v4.1: 10 of 1,418,492 alleles (0.0007%); highest among the groups gnomAD compares: African/African-American, 0.0015%; no homozygotes.

Submissions (2):

Ambry Genetics
Classification: Uncertain significance. Last evaluated: 2025-12-15. Review status: criteria provided, single submitter. Criteria: Ambry Variant Classification Scheme 2023. Collection method: clinical testing. Allele origin: germline.

Labcorp Genetics (formerly Invitae), Labcorp
Classification: Uncertain significance. Last evaluated: 2024-03-13. Review status: criteria provided, single submitter. Criteria: Invitae Variant Classification Sherloc (09022015). Collection method: clinical testing. Allele origin: germline.
Comment: This sequence change replaces tryptophan, which is neutral and slightly polar, with cysteine, which is neutral and slightly polar, at codon 154 of the GATA5 protein (p.Trp154Cys). This variant is not present in population databases (gnomAD no frequency). This variant has not been reported in the literature in individuals affected with GATA5-related conditions. Advanced modeling of protein sequence and biophysical properties (such as structural, functional, and spatial information, amino acid conservation, physicochemical variation, residue mobility, and thermodynamic stability) performed at Invitae indicates that this missense variant is expected to disrupt GATA5 protein function with a positive predictive value of 80%. In summary, the available evidence is currently insufficient to determine the role of this variant in disease. Therefore, it has been classified as a Variant of Uncertain Significance.

NM_080473.5(GATA5):c.462G>C (p.Trp154Cys)

Gene: GATA5 (GATA binding protein 5; minus strand). Cytogenetic location: 20q13.33.
Variant type: single nucleotide variant.
Coding change: c.462G>C on transcript NM_080473.5 (MANE Select); coding-DNA position 462, G replaced by C.
Protein change: p.Trp154Cys; replaces tryptophan 154 with cysteine.
Molecular consequence: missense variant.
Genome position (GRCh38, 1-based): chr20:62,475,060, C>G on the plus strand (G>C on the coding strand, the complement: GATA5 is on the minus strand). VCF-style: chr20-62475060-C-G. GRCh37 (hg19) VCF-style: chr20-61050116-C-G.
Other names: c.462G>C (NM_080473.4); short protein forms W154C.
Identifiers: ClinVar variation 3607352 (VCV003607352.3).